The following is an entry in ClinVar:

NM_001128178.3(NPHP1):c.814C>G (p.Pro272Ala)

Gene: NPHP1 (nephrocystin 1; minus strand). Cytogenetic location: 2q13.
Variant type: single nucleotide variant.
Coding change: c.814C>G on transcript NM_001128178.3 (MANE Select); coding-DNA position 814, C replaced by G.
Protein change: p.Pro272Ala; replaces proline 272 with alanine.
Molecular consequence: missense variant.
Genome position (GRCh38, 1-based): chr2:110,163,093, G>C on the plus strand (C>G on the coding strand, the complement: NPHP1 is on the minus strand). VCF-style: chr2-110163093-G-C. GRCh37 (hg19) VCF-style: chr2-110920670-G-C.
Other names: c.982C>G, p.Pro328Ala (NM_000272.5); c.625C>G, p.Pro209Ala (NM_001128179.3); c.811C>G, p.Pro271Ala (NM_001374256.1); c.814C>G, p.Pro272Ala (NM_001374257.1); c.979C>G, p.Pro327Ala (NM_207181.4); short protein forms P209A, P271A, P272A, P327A, P328A.
Identifiers: ClinVar variation 4990833 (VCV004990833.1).

ClinVar aggregate classification (germline): Uncertain significance (1 of 4 stars; one submission).

Conditions:
NPHP1-related disorder. Also called: NPHP1-related disorders; NPHP1-related condition.

gnomAD v4.1: 2 of 1,613,674 alleles (0.00012%); highest among the groups gnomAD compares: South Asian, 0.0022%; no homozygotes.

Submission:

PreventionGenetics, part of Exact Sciences
Classification: Uncertain significance for NPHP1-related condition. Last evaluated: 2026-07-23. Review status: criteria provided, single submitter. Criteria: ACMG Guidelines, 2015. Collection method: clinical testing. Allele origin: germline.
Comment: The NPHP1 c.982C>G variant is predicted to result in the amino acid substitution p.Pro328Ala. To our knowledge, this variant has not been reported in the literature or in a large population database (gnomAD), indicating this variant is rare. At this time, the clinical significance of this variant is uncertain due to the absence of conclusive functional and genetic evidence.